The following is an entry in ClinVar:

NM_001042492.3(NF1):c.889-948T>C

Gene: NF1 (neurofibromin 1; plus strand). Cytogenetic location: 17q11.2.
Variant type: single nucleotide variant.
Coding change: c.889-948T>C on transcript NM_001042492.3 (MANE Select); 948 bases into the intron before coding-DNA position 889, T replaced by C.
Molecular consequence: intron variant.
Genome position (GRCh38, 1-based): chr17:31,199,474, T>C. VCF-style: chr17-31199474-T-C. GRCh37 (hg19) VCF-style: chr17-29526492-T-C.
Other names: c.889-948T>C (NM_000267.4, NM_001128147.3).
Identifiers: ClinVar variation 2498701 (VCV002498701.28), dbSNP rs149347467, ClinGen allele CA289348167.
Genomic context (GRCh38, chr17:31,199,474, plus strand): 5'-CATTATGATCACAAAACATACTTTGTATGATTTCAGTTTCTTTAAATGTATTAAGACTTA[T>C]TTTGTAGCCTAACATAGGTCTGTTTTGGAGAATGTTCCATGTACACTTGAGAAGAATATA-3'

ClinVar aggregate classification (germline): Likely benign (1 of 4 stars; one submission).

Allele frequency attached by ClinVar (database versions not stated): 1000 Genomes Project 0.00100; 1000 Genomes Project 30x 0.00109; TOPMed 0.00198; gnomAD 0.00208.
gnomAD v4.1: 314 of 152,344 alleles (0.21%); highest among the groups gnomAD compares: South Asian, 0.39%; 1 homozygote.

Submission:

CeGaT Center for Human Genetics Tuebingen
Classification: Likely benign. Last evaluated: 2024-12-01. Review status: criteria provided, single submitter. Criteria: CeGaT Center For Human Genetics Tuebingen Variant Classification Criteria Version 2. Collection method: clinical testing. Allele origin: germline. Affected: yes. Observed: 19 variant alleles.
Comment: NF1: BS1